The following is an entry in ClinVar:

ClinVar aggregate classification (germline): Likely benign (0 of 4 stars; one submission).

Conditions:
AGL-related disorder. Also called: AGL-related condition.

Allele frequency attached by ClinVar (database versions not stated): gnomAD exomes below 0.00001.
gnomAD v4.1: 1 of 1,605,066 alleles (0.000062%); highest among the groups gnomAD compares: South Asian, 0.0011%; no homozygotes.

Submission:

PreventionGenetics, part of Exact Sciences
Classification: Likely benign for AGL-related condition. Last evaluated: 2021-05-10. Review status: no assertion criteria provided. Collection method: clinical testing. Allele origin: germline.
Comment: This variant is classified as likely benign based on ACMG/AMP sequence variant interpretation guidelines (Richards et al. 2015 PMID: 25741868, with internal and published modifications).

NM_000642.3(AGL):c.2546+5G>A

Gene: AGL (amylo-alpha-1,6-glucosidase and 4-alpha-glucanotransferase; plus strand). Cytogenetic location: 1p21.2.
Variant type: single nucleotide variant.
Coding change: c.2546+5G>A on transcript NM_000642.3 (MANE Select); 5 bases into the intron after coding-DNA position 2546, G replaced by A.
Molecular consequence: intron variant.
Genome position (GRCh38, 1-based): chr1:99,884,456, G>A. VCF-style: chr1-99884456-G-A. GRCh37 (hg19) VCF-style: chr1-100350012-G-A.
Other names: c.2546+5G>A (NM_000643.3, NM_000644.3, NM_001425326.1 and 2 more transcripts); c.2498+5G>A (NM_000646.3); c.2345+5G>A (NM_001425327.1); c.2342+5G>A (NM_001425328.1, NM_001425329.1); c.2168+5G>A (NM_001425332.1).
Identifiers: ClinVar variation 3061504 (VCV003061504.2), dbSNP rs2524675772, ClinGen allele CA2646737274.